The following is an entry in ClinVar:

NM_012123.4(MTO1):c.901C>T (p.Leu301Phe)

Gene: MTO1 (mitochondrial tRNA translation optimization 1; plus strand). Cytogenetic location: 6q13.
Variant type: single nucleotide variant.
Coding change: c.901C>T on transcript NM_012123.4 (MANE Select); coding-DNA position 901, C replaced by T.
Protein change: p.Leu301Phe; replaces leucine 301 with phenylalanine.
Molecular consequence: missense variant.
Genome position (GRCh38, 1-based): chr6:73,479,807, C>T. VCF-style: chr6-73479807-C-T. GRCh37 (hg19) VCF-style: chr6-74189530-C-T.
Other names: c.901C>T, p.Leu301Phe (NM_001123226.2, NM_133645.3); short protein forms L301F.
Identifiers: ClinVar variation 1950535 (VCV001950535.3), dbSNP rs762434502, ClinGen allele CA3889470.
Genomic context (GRCh38, chr6:73,479,807, plus strand): 5'-CCATGTTACTTGACTCACACCAACCCTAGAGTGGATGAGATTGTCCTTAAGAACCTTCAC[C>T]TTAATAGTCATGTTAAAGAAACGACAAGAGGACCTCGGTAAGGACAAAATGTCAGTGCTC-3'
Protein context (NP_036255.2, residues 291-311): VDEIVLKNLH[Leu301Phe]NSHVKETTRG

ClinVar aggregate classification (germline): Uncertain significance (1 of 4 stars; one submission).

Conditions:
Mitochondrial hypertrophic cardiomyopathy with lactic acidosis due to MTO1 deficiency. Also called: Combined oxidative phosphorylation deficiency 10; CARDIOMYOPATHY, INFANTILE HYPERTROPHIC MITOCHONDRIAL, AND LACTIC ACIDOSIS. Identifiers: Orphanet 314637, MedGen C4749921, MONDO:0013865, OMIM 614702.

Allele frequency attached by ClinVar (database versions not stated): TOPMed 0.00001; ExAC 0.00005.
gnomAD v4.1: 20 of 1,613,532 alleles (0.0012%); highest among the groups gnomAD compares: South Asian, 0.021%; no homozygotes.

Submission:

Labcorp Genetics (formerly Invitae), Labcorp
Classification: Uncertain significance for Mitochondrial hypertrophic cardiomyopathy with lactic acidosis due to MTO1 deficiency. Last evaluated: 2022-04-25. Review status: criteria provided, single submitter. Criteria: Invitae Variant Classification Sherloc (09022015). Collection method: clinical testing. Allele origin: germline.
Comment: This sequence change replaces leucine, which is neutral and non-polar, with phenylalanine, which is neutral and non-polar, at codon 301 of the MTO1 protein (p.Leu301Phe). This variant is present in population databases (rs762434502, gnomAD 0.02%). This variant has not been reported in the literature in individuals affected with MTO1-related conditions. Algorithms developed to predict the effect of missense changes on protein structure and function are either unavailable or do not agree on the potential impact of this missense change (SIFT: "Tolerated"; PolyPhen-2: "Probably Damaging"; Align-GVGD: "Class C0"). In summary, the available evidence is currently insufficient to determine the role of this variant in disease. Therefore, it has been classified as a Variant of Uncertain Significance.